The following is an entry in ClinVar:

NM_004281.4(BAG3):c.545C>T (p.Ser182Leu)

Gene: BAG3 (BAG cochaperone 3; plus strand). Cytogenetic location: 10q26.11.
Variant type: single nucleotide variant.
Coding change: c.545C>T on transcript NM_004281.4 (MANE Select); coding-DNA position 545, C replaced by T.
Protein change: p.Ser182Leu; replaces serine 182 with leucine.
Molecular consequence: missense variant.
Genome position (GRCh38, 1-based): chr10:119,672,292, C>T. VCF-style: chr10-119672292-C-T. GRCh37 (hg19) VCF-style: chr10-121431804-C-T.
Other names: short protein forms S182L.
Identifiers: ClinVar variation 636885 (VCV000636885.9), dbSNP rs1428247151, ClinGen allele CA378295313.
Genomic context (GRCh38, chr10:119,672,292, plus strand): 5'-CCTCTACCCTGTGTCTCTTGCAGCGGTCCCAGTCTCCAGCTGCCTCTGACTGCTCATCCT[C>T]ATCCTCCTCGGCCAGCCTGCCTTCCTCCGGCAGGAGCAGCCTGGGCAGTCACCAGCTCCC-3'
Protein context (NP_004272.2, residues 172-192): QSPAASDCSS[Ser182Leu]SSSASLPSSG

ClinVar aggregate classification (germline): Uncertain significance. Review status: criteria provided, multiple submitters, no conflicts (2 of 4 stars). 2 submissions from 2 submitters: Uncertain significance (2). Last evaluated 2024-08-06.

Conditions:
Myofibrillar myopathy 6. Identifiers: Orphanet 199340, MedGen C2751831, MONDO:0013061, OMIM 612954.
Dilated cardiomyopathy 1HH (CMD1HH). Identifiers: Orphanet 154, MedGen C3151293, MONDO:0013479, OMIM 613881.

Allele frequency attached by ClinVar (database versions not stated): TOPMed below 0.00001; gnomAD exomes 0.00001.
gnomAD v4.1: 9 of 1,613,944 alleles (0.00056%); highest among the groups gnomAD compares: Non-Finnish European, 0.00076%; no homozygotes.

Submissions (2):

Labcorp Genetics (formerly Invitae), Labcorp
Classification: Uncertain significance for Dilated cardiomyopathy 1HH; Myofibrillar myopathy 6. Last evaluated: 2024-08-06. Review status: criteria provided, single submitter. Criteria: Invitae Variant Classification Sherloc (09022015). Collection method: clinical testing. Allele origin: germline.
Comment: This sequence change replaces serine, which is neutral and polar, with leucine, which is neutral and non-polar, at codon 182 of the BAG3 protein (p.Ser182Leu). This variant is not present in population databases (gnomAD no frequency). This variant has not been reported in the literature in individuals affected with BAG3-related conditions. ClinVar contains an entry for this variant (Variation ID: 636885). Advanced modeling of protein sequence and biophysical properties (such as structural, functional, and spatial information, amino acid conservation, physicochemical variation, residue mobility, and thermodynamic stability) performed at Invitae indicates that this missense variant is not expected to disrupt BAG3 protein function with a negative predictive value of 80%. In summary, the available evidence is currently insufficient to determine the role of this variant in disease. Therefore, it has been classified as a Variant of Uncertain Significance.

Blueprint Genetics
Classification: Uncertain significance. Last evaluated: 2018-12-08. Review status: criteria provided, single submitter. Criteria: ACMG Guidelines, 2015. Collection method: clinical testing. Allele origin: germline.